The following is an entry in ClinVar:

ClinVar aggregate classification (germline): Uncertain significance (1 of 4 stars; one submission).

Conditions:
NCOA1-related disorder. Also called: NCOA1-related condition.

Submission:

PreventionGenetics, part of Exact Sciences
Classification: Uncertain significance for NCOA1-related condition. Last evaluated: 2026-02-17. Review status: criteria provided, single submitter. Criteria: ACMG Guidelines, 2015. Collection method: clinical testing. Allele origin: germline.
Comment: The NCOA1 c.3465dupG variant is predicted to result in a frameshift and premature protein termination (p.Asn1156Glufs*40). To our knowledge, this variant has not been reported in the literature or in a large population database (gnomAD), indicating this variant is rare. Loss of function is not an established mechanism of NCOA1-related disease. At this time, the clinical significance of this variant is uncertain due to the absence of conclusive functional and genetic evidence.

NM_003743.5(NCOA1):c.3465dup (p.Asn1156fs)

Gene: NCOA1 (nuclear receptor coactivator 1; plus strand). Cytogenetic location: 2p23.3.
Variant type: Duplication.
Coding change: c.3465dup on transcript NM_003743.5 (MANE Select); coding-DNA position 3465, one base duplicated (G; older notation c.3465dupG).
Protein change: p.Asn1156fs; shifts the reading frame from asparagine 1156.
Molecular consequence: frameshift variant.
Genome position (GRCh38, 1-based): chr2:24,741,945, G duplicated; the last of 4 consecutive G bases (chr2:24,741,942-24,741,945); duplicating any one gives the same sequence. VCF-style (leftmost placement, unchanged base first): chr2-24741941-T-TG. GRCh37 (hg19) VCF-style: chr2-24964810-T-TG.
Other names: c.3465dup, p.Asn1156fs (NM_001362950.1, NM_001362952.1, NM_001362954.1 and 3 more transcripts); short protein forms N1156fs.
Identifiers: ClinVar variation 4994729 (VCV004994729.1).